The following is an entry in ClinVar:

NM_000553.6(WRN):c.2990A>G (p.Gln997Arg)

Gene: WRN (WRN RecQ like helicase; plus strand). Cytogenetic location: 8p12.
Variant type: single nucleotide variant.
Coding change: c.2990A>G on transcript NM_000553.6 (MANE Select); coding-DNA position 2990, A replaced by G.
Protein change: p.Gln997Arg; replaces glutamine 997 with arginine.
Molecular consequence: missense variant.
Genome position (GRCh38, 1-based): chr8:31,141,452, A>G. VCF-style: chr8-31141452-A-G. GRCh37 (hg19) VCF-style: chr8-30998968-A-G.
Other names: short protein forms Q997R.
Identifiers: ClinVar variation 937643 (VCV000937643.6), dbSNP rs776286762, ClinGen allele CA4704915.

ClinVar aggregate classification (germline): Uncertain significance (1 of 4 stars; one submission).

Conditions:
Werner syndrome (WRN). Identifiers: Orphanet 902, MedGen C0043119, MONDO:0010196, OMIM 277700.

Allele frequency attached by ClinVar (database versions not stated): gnomAD exomes below 0.00001 and 0.00001; ExAC 0.00001.
gnomAD v4.1: 1 of 1,614,186 alleles (0.000062%); highest among the groups gnomAD compares: Non-Finnish European, 0.000085%; no homozygotes.

Submission:

Labcorp Genetics (formerly Invitae), Labcorp
Classification: Uncertain significance for Werner syndrome. Last evaluated: 2023-08-22. Review status: criteria provided, single submitter. Criteria: Invitae Variant Classification Sherloc (09022015). Collection method: clinical testing. Allele origin: germline.
Comment: In summary, the available evidence is currently insufficient to determine the role of this variant in disease. Therefore, it has been classified as a Variant of Uncertain Significance. Algorithms developed to predict the effect of missense changes on protein structure and function output the following: SIFT: "Not Available"; PolyPhen-2: "Benign"; Align-GVGD: "Not Available". The arginine amino acid residue is found in multiple mammalian species, which suggests that this missense change does not adversely affect protein function. ClinVar contains an entry for this variant (Variation ID: 937643). This variant has not been reported in the literature in individuals affected with WRN-related conditions. This variant is present in population databases (rs776286762, gnomAD 0.002%). This sequence change replaces glutamine, which is neutral and polar, with arginine, which is basic and polar, at codon 997 of the WRN protein (p.Gln997Arg).